The following is an entry in ClinVar:

ClinVar aggregate classification (germline): Uncertain significance (1 of 4 stars; one submission).

Conditions:
Cardiovascular phenotype. Identifiers: MedGen CN230736.

Submission:

Ambry Genetics
Classification: Uncertain significance for Cardiovascular phenotype. Last evaluated: 2021-06-14. Review status: criteria provided, single submitter. Criteria: Ambry Variant Classification Scheme 2023. Collection method: clinical testing. Allele origin: germline.
Comment: The p.D22Y variant (also known as c.64G>T), located in coding exon 1 of the BRAF gene, results from a G to T substitution at nucleotide position 64. The aspartic acid at codon 22 is replaced by tyrosine, an amino acid with highly dissimilar properties. This amino acid position is conserved. In addition, this alteration is predicted to be deleterious by in silico analysis. Since supporting evidence is limited at this time, the clinical significance of this alteration remains unclear.

NM_004333.6(BRAF):c.64G>T (p.Asp22Tyr)

Gene: BRAF (B-Raf proto-oncogene, serine/threonine kinase; minus strand). Cytogenetic location: 7q34.
Variant type: single nucleotide variant.
Coding change: c.64G>T on transcript NM_004333.6 (MANE Select); coding-DNA position 64, G replaced by T.
Protein change: p.Asp22Tyr; replaces aspartic acid 22 with tyrosine.
Molecular consequence: missense variant.
Genome position (GRCh38, 1-based): chr7:140,924,640, C>A on the plus strand (G>T on the coding strand, the complement: BRAF is on the minus strand). VCF-style: chr7-140924640-C-A. GRCh37 (hg19) VCF-style: chr7-140624440-C-A.
Other names: c.64G>T, p.Asp22Tyr (NM_001354609.2, NM_001374244.1, NM_001374258.1 and 7 more transcripts); short protein forms D22Y.
Identifiers: ClinVar variation 1753906 (VCV001753906.2), dbSNP rs397507456, ClinGen allele CA369590169.